The following is an entry in ClinVar:

NM_000202.8(IDS):c.1208T>G (p.Leu403Arg)

Gene: IDS (iduronate 2-sulfatase; minus strand). Cytogenetic location: Xq28.
Variant type: single nucleotide variant.
Coding change: c.1208T>G on transcript NM_000202.8 (MANE Select); coding-DNA position 1208, T replaced by G.
Protein change: p.Leu403Arg; replaces leucine 403 with arginine.
Molecular consequence: missense variant.
Genome position (GRCh38, 1-based): chrX:149,483,191, A>C on the plus strand (T>G on the coding strand, the complement: IDS is on the minus strand). VCF-style: chrX-149483191-A-C. GRCh37 (hg19) VCF-style: chrX-148564722-A-C.
Other names: c.938T>G, p.Leu313Arg (NM_001166550.4); short protein forms L313R, L403R.
Identifiers: ClinVar variation 3255990 (VCV003255990.2).
Genomic context (GRCh38, chrX:149,483,191, plus strand): 5'-GGGCAGCGAGGTGGAACCTGCAGTCCTGCAAGTCCAGCCAGCGTGGGAAAAAGAGACACA[A>C]GTTCCACAAGGTCCATGGATTGCCTGCCTGAAACAGGAAGCGACAGAGCAGAATGGGTTA-3'
Protein context (NP_000193.1, residues 393-413): PGRQSMDLVE[Leu403Arg]VSLFPTLAGL

ClinVar aggregate classification (germline): Likely pathogenic (1 of 4 stars; one submission).

Conditions:
Mucopolysaccharidosis, MPS-II (MPS2). Also called: Hunter Syndrome; IDURONATE 2-SULFATASE DEFICIENCY; Mucopolysaccharidosis Type II; Mucopolysaccharidosis type 2; Attenuated MPS (subtype; formerly known as mild MPS II); Severe MPS II. Identifiers: Orphanet 580, Orphanet 79388, MedGen C0026705, MONDO:0010674, OMIM 309900.

Submission:

Laboratory of Diagnosis and Therapy of Lysosomal Disorders, University of Padova
Classification: Likely pathogenic for Mucopolysaccharidosis, MPS-II. Last evaluated: 2024-06-07. Review status: criteria provided, single submitter. Criteria: ACMG Guidelines, 2015. Collection method: literature only. Allele origin: germline. Affected: yes. Observed: 3 variant alleles.
Comment: Absent from controls (or at low frequency) in gnomAD database (PM2_Moderate), Missense variant in a gene with a low rate of benign missense variation (PP2_Supporting), Multiple lines of computational evidence support a deleterious effect (PP3_Supporting), Patient’s phenotype or family history highly specific for the disease (PP4_Strong)

Classification method: ACMG Guidelines [PMID:25741868] with modifications

Literature cited by the submitters: PubMed 9660053; PubMed 18500569; PubMed 8940265.